The following is an entry in ClinVar:

NM_001080517.3(SETD5):c.735C>T (p.Gly245=)

Gene: SETD5 (SET domain containing 5; plus strand). Cytogenetic location: 3p25.3.
Variant type: single nucleotide variant.
Coding change: c.735C>T on transcript NM_001080517.3 (MANE Select); coding-DNA position 735, C replaced by T.
Protein change: p.Gly245=; no amino-acid change (glycine 245 retained).
Molecular consequence: synonymous variant.
Genome position (GRCh38, 1-based): chr3:9,440,623, C>T. VCF-style: chr3-9440623-C-T. GRCh37 (hg19) VCF-style: chr3-9482307-C-T.
Other names: c.441C>T, p.Gly147= (NM_001292043.2, NM_001349451.2).
Identifiers: ClinVar variation 1703997 (VCV001703997.2), dbSNP rs1439420099, ClinGen allele CA432372301.

ClinVar aggregate classification (germline): Uncertain significance (1 of 4 stars; one submission).

Submission:

GeneDx
Classification: Uncertain significance. Last evaluated: 2022-02-28. Review status: criteria provided, single submitter. Criteria: GeneDx Variant Classification Process June 2021. Collection method: clinical testing. Allele origin: germline. Affected: yes.
Comment: Not observed at significant frequency in large population cohorts (gnomAD); In silico analysis supports a deleterious effect on splicing; Has not been previously published as pathogenic or benign to our knowledge